The following is an entry in ClinVar:

ClinVar aggregate classification (germline): Likely pathogenic (1 of 4 stars; one submission).

Submission:

Labcorp Genetics (formerly Invitae), Labcorp
Classification: Likely pathogenic. Last evaluated: 2023-04-14. Review status: criteria provided, single submitter. Criteria: Invitae Variant Classification Sherloc (09022015). Collection method: clinical testing. Allele origin: germline.
Comment: In summary, the currently available evidence indicates that the variant is pathogenic, but additional data are needed to prove that conclusively. Therefore, this variant has been classified as Likely Pathogenic. This variant disrupts the p.Gly1507 amino acid residue in ABCA4. Other variant(s) that disrupt this residue have been determined to be pathogenic (PMID: 23499370, 26593885, 27030965, 28041643). This suggests that this residue is clinically significant, and that variants that disrupt this residue are likely to be disease-causing. Advanced modeling of protein sequence and biophysical properties (such as structural, functional, and spatial information, amino acid conservation, physicochemical variation, residue mobility, and thermodynamic stability) performed at Invitae indicates that this missense variant is expected to disrupt ABCA4 protein function. This variant has not been reported in the literature in individuals affected with ABCA4-related conditions. This variant is not present in population databases (gnomAD no frequency). This sequence change replaces glycine, which is neutral and non-polar, with alanine, which is neutral and non-polar, at codon 1507 of the ABCA4 protein (p.Gly1507Ala).

Literature cited by the submitters: PubMed 23499370; PubMed 26593885; PubMed 27030965; PubMed 28041643.

NM_000350.3(ABCA4):c.4520G>C (p.Gly1507Ala)

Gene: ABCA4 (ATP binding cassette subfamily A member 4; minus strand). Cytogenetic location: 1p22.1.
Variant type: single nucleotide variant.
Coding change: c.4520G>C on transcript NM_000350.3 (MANE Select); coding-DNA position 4520, G replaced by C.
Protein change: p.Gly1507Ala; replaces glycine 1507 with alanine.
Molecular consequence: missense variant.
Genome position (GRCh38, 1-based): chr1:94,029,464, C>G on the plus strand (G>C on the coding strand, the complement: ABCA4 is on the minus strand). VCF-style: chr1-94029464-C-G. GRCh37 (hg19) VCF-style: chr1-94495020-C-G.
Other names: c.4298G>C, p.Gly1433Ala (NM_001425324.1); short protein forms G1433A, G1507A.
Identifiers: ClinVar variation 2856084 (VCV002856084.3), dbSNP rs2101033441, ClinGen allele CA341284795.